The following is an entry in ClinVar:

ClinVar aggregate classification (germline): Uncertain significance. Review status: criteria provided, multiple submitters, no conflicts (2 of 4 stars). 3 submissions from 3 submitters: Uncertain significance (3). Last evaluated 2024-04-07.

Conditions:
Kabuki syndrome. Also called: Kabuki make-up syndrome; NIIKAWA-KUROKI SYNDROME. Identifiers: Orphanet 2322, MedGen C0796004, MONDO:0016512.
Kabuki syndrome 1 (KABUK1). Also called: KMT2D-Related Kabuki Syndrome. Identifiers: Orphanet 2322, MedGen CN030661, MONDO:0007843, OMIM 147920.
Choanal atresia-athelia-hypothyroidism-delayed puberty-short stature syndrome (BCAHH). Also called: BRANCHIAL ARCH ABNORMALITIES, CHOANAL ATRESIA, ATHELIA, HEARING LOSS, AND HYPOTHYROIDISM SYNDROME. Identifiers: Orphanet 589856, MedGen C5680310, MONDO:0035651, OMIM 620186.
KMT2D-related disorder. Also called: KMT2D-Related Disorders.

Allele frequency attached by ClinVar (database versions not stated): TOPMed 0.00001.

Submissions (3):

Fulgent Genetics
Classification: Uncertain significance for Kabuki syndrome 1; Choanal atresia-athelia-hypothyroidism-delayed puberty-short stature syndrome. Last evaluated: 2024-04-07. Review status: criteria provided, single submitter. Criteria: ACMG Guidelines, 2015. Collection method: clinical testing. Allele origin: germline.

PreventionGenetics, part of Exact Sciences
Classification: Uncertain significance for KMT2D-related condition. Last evaluated: 2023-09-14. Review status: criteria provided, single submitter. Criteria: ACMG Guidelines, 2015. Collection method: clinical testing. Allele origin: germline.
Comment: The KMT2D c.9959C>G variant is predicted to result in the amino acid substitution p.Ala3320Gly. To our knowledge, this variant has not been reported in the literature or in a large population database, indicating this variant is rare. At this time, the clinical significance of this variant is uncertain due to the absence of conclusive functional and genetic evidence.

Labcorp Genetics (formerly Invitae), Labcorp
Classification: Uncertain significance for Kabuki syndrome. Last evaluated: 2023-04-03. Review status: criteria provided, single submitter. Criteria: Invitae Variant Classification Sherloc (09022015). Collection method: clinical testing. Allele origin: germline.
Comment: This sequence change replaces alanine, which is neutral and non-polar, with glycine, which is neutral and non-polar, at codon 3320 of the KMT2D protein (p.Ala3320Gly). This variant is not present in population databases (gnomAD no frequency). This variant has not been reported in the literature in individuals affected with KMT2D-related conditions. Advanced modeling of protein sequence and biophysical properties (such as structural, functional, and spatial information, amino acid conservation, physicochemical variation, residue mobility, and thermodynamic stability) performed at Invitae indicates that this missense variant is not expected to disrupt KMT2D protein function. In summary, the available evidence is currently insufficient to determine the role of this variant in disease. Therefore, it has been classified as a Variant of Uncertain Significance.

NM_003482.4(KMT2D):c.9959C>G (p.Ala3320Gly)

Gene: KMT2D (lysine methyltransferase 2D; minus strand). Cytogenetic location: 12q13.12.
Variant type: single nucleotide variant.
Coding change: c.9959C>G on transcript NM_003482.4 (MANE Select); coding-DNA position 9959, C replaced by G.
Protein change: p.Ala3320Gly; replaces alanine 3320 with glycine.
Molecular consequence: missense variant.
Genome position (GRCh38, 1-based): chr12:49,037,397, G>C on the plus strand (C>G on the coding strand, the complement: KMT2D is on the minus strand). VCF-style: chr12-49037397-G-C. GRCh37 (hg19) VCF-style: chr12-49431180-G-C.
Other names: short protein forms A3320G.
Identifiers: ClinVar variation 2631070 (VCV002631070.5), dbSNP rs886049478, ClinGen allele CA384733509.